The following is an entry in ClinVar:

ClinVar aggregate classification (germline): Uncertain significance (1 of 4 stars; one submission).

Conditions:
Kleefstra syndrome 1 (KLEFS1). Identifiers: Orphanet 261494, MedGen C0795833, MONDO:0027407, OMIM 610253.

Allele frequency attached by ClinVar (database versions not stated): TOPMed below 0.00001; ExAC 0.00002; gnomAD exomes below 0.00001.
gnomAD v4.1: 4 of 1,598,828 alleles (0.00025%); highest among the groups gnomAD compares: Admixed American, 0.0017%; no homozygotes.

Submission:

Labcorp Genetics (formerly Invitae), Labcorp
Classification: Uncertain significance for Chromosome 9q deletion syndrome. Last evaluated: 2018-07-15. Review status: criteria provided, single submitter. Criteria: Invitae Variant Classification Sherloc (09022015). Collection method: clinical testing. Allele origin: germline.
Comment: This sequence change replaces glycine with arginine at codon 13 of the EHMT1 protein (p.Gly13Arg). The glycine residue is weakly conserved and there is a moderate physicochemical difference between glycine and arginine. This variant is present in population databases (rs781470751, ExAC 0.01%). This variant has not been reported in the literature in individuals with EHMT1-related disease. Algorithms developed to predict the effect of missense changes on protein structure and function are either unavailable or do not agree on the potential impact of this missense change (SIFT: "Tolerated"; PolyPhen-2: "Possibly Damaging"; Align-GVGD: "Class C0"). In summary, the available evidence is currently insufficient to determine the role of this variant in disease. Therefore, it has been classified as a Variant of Uncertain Significance.

NM_024757.5(EHMT1):c.37G>A (p.Gly13Arg)

Gene: EHMT1 (euchromatic histone lysine methyltransferase 1; plus strand). Cytogenetic location: 9q34.3.
Variant type: single nucleotide variant.
Coding change: c.37G>A on transcript NM_024757.5 (MANE Select); coding-DNA position 37, G replaced by A.
Protein change: p.Gly13Arg; replaces glycine 13 with arginine.
Molecular consequence: missense variant. On other transcripts: intron variant (2).
Genome position (GRCh38, 1-based): chr9:137,710,982, G>A. VCF-style: chr9-137710982-G-A. GRCh37 (hg19) VCF-style: chr9-140605434-G-A.
Other names: c.37G>A, p.Gly13Arg (NM_001145527.2, NM_001354263.2, NM_001354611.2); c.-8-5644G>A (NM_001354259.2, NM_001354612.2); short protein forms G13R.
Identifiers: ClinVar variation 647669 (VCV000647669.1), dbSNP rs781470751, ClinGen allele CA5374119.